The following is an entry in ClinVar:

ClinVar aggregate classification (germline): Conflicting classifications of pathogenicity. Review status: criteria provided, conflicting classifications (1 of 4 stars). 6 submissions from 6 submitters: Pathogenic (3); Uncertain significance (1). 2 of the submissions do not count toward it. Last evaluated 2026-09-01.

Conditions:
ALDH18A1-related disorder. Also called: ALDH18A1-related disorders.
Cutis laxa, autosomal dominant 3 (ADCL3). Identifiers: Orphanet 90348, MedGen C4225268, MONDO:0014706, OMIM 616603.
de Barsy syndrome. Also called: Cutis laxa-corneal clouding-oligophrenia syndrome. Identifiers: Orphanet 2962, MedGen C0268354, MONDO:0017569.
Autosomal dominant spastic paraplegia type 9. Identifiers: MedGen C1832669, MONDO:0015091.
Autosomal recessive complex spastic paraplegia type 9B. Also called: Spastic paraplegia 9b, autosomal recessive. Identifiers: Orphanet 447760, MedGen C5568980, MONDO:0014702, OMIM 616586.

Allele frequency attached by ClinVar (database versions not stated): gnomAD 0.00001; gnomAD exomes 0.00002; TOPMed 0.00002; ExAC 0.00003.
gnomAD v4.1: 33 of 1,614,086 alleles (0.002%); highest among the groups gnomAD compares: South Asian, 0.0088%; 1 homozygote.

Submissions (6):

CeGaT Center for Human Genetics Tuebingen
Classification: Pathogenic. Last evaluated: 2026-09-01. Review status: criteria provided, single submitter. Criteria: CeGaT Center For Human Genetics Tuebingen Variant Classification Criteria Version 2. Collection method: clinical testing. Allele origin: germline. Affected: yes. Observed: 1 variant allele.
Comment: ALDH18A1: PM3:Strong, PP1:Strong, PM2:Supporting, PP2

Labcorp Genetics (formerly Invitae), Labcorp
Classification: Pathogenic for Autosomal dominant spastic paraplegia type 9; de Barsy syndrome; Cutis laxa, autosomal dominant 3. Last evaluated: 2026-01-06. Review status: criteria provided, single submitter. Criteria: Invitae Variant Classification Sherloc (09022015). Collection method: clinical testing. Allele origin: germline.
Comment: This sequence change replaces arginine, which is basic and polar, with histidine, which is basic and polar, at codon 128 of the ALDH18A1 protein (p.Arg128His). This variant is present in population databases (rs768323248, gnomAD 0.01%). This missense change has been observed in individuals with clinical features of autosomal recessive hereditary spastic paraplegia (PMID: 26026163, 29915212, 32798076). It has also been observed to segregate with disease in related individuals. ClinVar contains an entry for this variant (Variation ID: 217121). Invitae Evidence Modeling of protein sequence and biophysical properties (such as structural, functional, and spatial information, amino acid conservation, physicochemical variation, residue mobility, and thermodynamic stability) has been performed for this missense variant. However, the output from this modeling did not meet the statistical confidence thresholds required to predict the impact of this variant on ALDH18A1 protein function. For these reasons, this variant has been classified as Pathogenic.

GeneDx
Classification: Uncertain significance. Last evaluated: 2024-12-04. Review status: criteria provided, single submitter. Criteria: GeneDx Variant Classification Process June 2021. Collection method: clinical testing. Allele origin: germline. Affected: yes.
Comment: Reported in the compound heterozygous state with a second ALDH18A1 variant in patients with hereditary spastic paraplegia (PMID: 29915212, 32798076, 26026163); Not observed at significant frequency in large population cohorts (gnomAD); In silico analysis indicates that this missense variant does not alter protein structure/function; This variant is associated with the following publications: (PMID: 26026163, 34426522, 29754261, 31289639, 34093392, 32798076, 29915212)

Blueprint Genetics
Classification: Pathogenic for ALDH18A1-related disorders. Last evaluated: 2024-10-14. Review status: criteria provided, single submitter. Criteria: ACMG Guidelines, 2015. Collection method: clinical testing. Allele origin: germline. Affected: yes. Observed: 3 variant alleles.

PreventionGenetics, part of Exact Sciences
Classification: Likely pathogenic for ALDH18A1-related condition. Last evaluated: 2024-04-12. Review status: no assertion criteria provided. Collection method: clinical testing. Allele origin: germline. Not counted in ClinVar's aggregate classification.
Comment: The ALDH18A1 c.383G>A variant is predicted to result in the amino acid substitution p.Arg128His. This missense change was documented in the biallelic state in multiple patients with hereditary spastic paraplegia (Kalmár et al. 2021. PubMed ID: 32798076; Coutelier et al. 2015. PubMed ID: 26026163; Koh et al. 2018. PubMed ID: 29915212). This variant is reported in 0.0065% of alleles in individuals of South Asian descent in gnomAD. This variant is interpreted as likely pathogenic.

OMIM
Classification: Pathogenic for SPASTIC PARAPLEGIA 9B, AUTOSOMAL RECESSIVE. Last evaluated: 2015-08-01. Review status: no assertion criteria provided. Collection method: literature only. Allele origin: germline. Not counted in ClinVar's aggregate classification.

Literature cited by the submitters: PubMed 26026163 (cited by Labcorp Genetics (formerly Invitae), Labcorp and OMIM); PubMed 29915212 (cited by Labcorp Genetics (formerly Invitae), Labcorp); PubMed 32798076 (cited by Labcorp Genetics (formerly Invitae), Labcorp).

NM_002860.4(ALDH18A1):c.383G>A (p.Arg128His)

Gene: ALDH18A1 (aldehyde dehydrogenase 18 family member A1; minus strand). Cytogenetic location: 10q24.1.
Variant type: single nucleotide variant.
Coding change: c.383G>A on transcript NM_002860.4 (MANE Select); coding-DNA position 383, G replaced by A.
Protein change: p.Arg128His; replaces arginine 128 with histidine.
Molecular consequence: missense variant. On other transcripts: intron variant (1).
Genome position (GRCh38, 1-based): chr10:95,637,357, C>T on the plus strand (G>A on the coding strand, the complement: ALDH18A1 is on the minus strand). VCF-style: chr10-95637357-C-T. GRCh37 (hg19) VCF-style: chr10-97397114-C-T.
Other names: c.383G>A, p.Arg128His (NM_001017423.2, NM_001323413.2, NM_001323414.2 and 2 more transcripts); c.50G>A, p.Arg17His (NM_001323412.2, NM_001323416.2, NM_001323418.2); c.-78-3708G>A (NM_001323419.2); short protein forms R128H, R17H.
Identifiers: ClinVar variation 217121 (VCV000217121.12), dbSNP rs768323248, ClinGen allele CA215054.